The following is an entry in ClinVar:

ClinVar aggregate classification (germline): Likely benign (1 of 4 stars; one submission).

gnomAD v4.1: 1 of 1,211,536 alleles (0.000083%); highest among the groups gnomAD compares: Middle Eastern, 0.023%; no homozygotes.

Submission:

CeGaT Center for Human Genetics Tuebingen
Classification: Likely benign. Last evaluated: 2024-11-01. Review status: criteria provided, single submitter. Criteria: CeGaT Center For Human Genetics Tuebingen Variant Classification Criteria Version 2. Collection method: clinical testing. Allele origin: germline. Affected: yes. Observed: 1 variant allele.
Comment: EBP: BP4, BP7

NM_006579.3(EBP):c.537G>A (p.Leu179=)

Gene: EBP (EBP cholestenol delta-isomerase; plus strand). Cytogenetic location: Xp11.23.
Variant type: single nucleotide variant.
Coding change: c.537G>A on transcript NM_006579.3 (MANE Select); coding-DNA position 537, G replaced by A.
Protein change: p.Leu179=; no amino-acid change (leucine 179 retained).
Molecular consequence: synonymous variant.
Genome position (GRCh38, 1-based): chrX:48,528,301, G>A. VCF-style: chrX-48528301-G-A. GRCh37 (hg19) VCF-style: chrX-48386689-G-A.
Identifiers: ClinVar variation 3390228 (VCV003390228.14).